The following is an entry in ClinVar:

ClinVar aggregate classification (germline): Pathogenic/Likely pathogenic. Review status: criteria provided, multiple submitters, no conflicts (2 of 4 stars). 2 submissions from 2 submitters: Pathogenic (1); Likely pathogenic (1). Last evaluated 2024-09-20.

Conditions:
X-linked hydrocephalus syndrome (HYCX). Also called: HYDROCEPHALUS, CONGENITAL, X-LINKED; X-Linked Hydrocephalus with Stenosis of the Aqueduct of Sylvius (HSAS); AQUEDUCTAL STENOSIS, X-LINKED; X-Linked Hydrocephalus with Stenosis of the Aqueduct of Sylvius; X-linked hydrocephalus. Identifiers: Orphanet 2182, MedGen C0265216, MONDO:0010611, OMIM 307000.
MASA syndrome. Also called: MASA (Mental Retardation, Adducted Thumbs, Shuffling Gait, Aphasia) Syndrome, Including SPG1 (X-Linked Complicated Hereditary Spastic Paraplegia Type 1); ADDUCTED THUMB WITH MENTAL RETARDATION; CLASPED THUMB AND MENTAL RETARDATION; GAREIS-MASON SYNDROME; MENTAL RETARDATION, APHASIA, SHUFFLING GAIT, AND ADDUCTED THUMBS; CRASH syndrome. Identifiers: Orphanet 2466, MedGen C0795953, MONDO:0010559, OMIM 303350.

Submissions (2):

Victorian Clinical Genetics Services, Murdoch Childrens Research Institute
Classification: Pathogenic for X-linked hydrocephalus syndrome. Last evaluated: 2024-09-20. Review status: criteria provided, single submitter. Criteria: ACMG Guidelines, 2015. Collection method: clinical testing. Allele origin: germline. Inheritance: X-linked recessive inheritance. Affected: yes.
Comment: Based on the classification scheme VCGS_Germline_v1.3.4, this variant is classified as Pathogenic. Following criteria are met: 0102 - Loss of function is a known mechanism of disease in this gene and is associated with partial agenesis of corpus callosum (MIM#304100), MASA syndrome (MIM#303350) and congenital hydrocephalus (MIM#307000). (I) 0109 - This gene is associated with X-linked recessive disease. (I) 0115 - Variants in this gene are known to have variable expressivity. Both interfamilial and intrafamilial variability have been reported (PMID: 7562969, 16650080). (I) 0201 - Variant is predicted to cause nonsense-mediated decay (NMD) and loss of protein (premature termination codon is located at least 54 nucleotides upstream of the final exon-exon junction). (SP) 0253 - This variant is hemizygous. (I) 0301 - Variant is absent from gnomAD (both v2 and v3). (SP) 0701 - Other NMD-predicted variants comparable to the one identified in this case have very strong previous evidence for pathogenicity. Many NMD-predicted variants have previously been reported as pathogenic (DECIPHER). (SP) 0802 - This variant has moderate previous evidence of pathogenicity in an unrelated individual. This variant has been reported as likely pathogenic and de novo in a heterozygous individual with unilateral ventriculomegaly (PMID: 36068917). (SP) 0905 - No published segregation evidence has been identified for this variant. (I) 1007 - No published functional evidence has been identified for this variant. (I) Legend: (SP) - Supporting pathogenic, (I) - Information, (SB) - Supporting benign

Provincial Medical Genetics Program of British Columbia, University of British Columbia
Classification: Likely pathogenic for MASA syndrome. Last evaluated: 2022-01-01. Review status: criteria provided, single submitter. Criteria: ACMG Guidelines, 2015. Collection method: clinical testing. Allele origin: de novo. Affected: yes.

Literature cited by the submitters: PubMed 7562969 (cited by Victorian Clinical Genetics Services, Murdoch Childrens Research Institute); PubMed 16650080 (cited by Victorian Clinical Genetics Services, Murdoch Childrens Research Institute); PubMed 36068917 (cited by Victorian Clinical Genetics Services, Murdoch Childrens Research Institute).

NM_001278116.2(L1CAM):c.2596_2597del (p.Ile866fs)

Gene: L1CAM (L1 cell adhesion molecule; minus strand). Cytogenetic location: Xq28.
Variant type: Microsatellite.
Coding change: c.2596_2597del on transcript NM_001278116.2 (MANE Select); coding-DNA positions 2596 to 2597, 2 bases deleted (AT; older notation c.2596_2597delAT).
Protein change: p.Ile866fs; shifts the reading frame from isoleucine 866.
Molecular consequence: frameshift variant.
Genome position (GRCh38, 1-based): chrX:153,865,451-153,865,452, AT deleted on the plus strand (AT on the coding strand, the reverse complement: L1CAM is on the minus strand); deleting any 2 consecutive bases within chrX:153,865,451-153,865,454 gives the same sequence; the c. name uses the placement nearest the transcript's 3' end. VCF-style (leftmost placement, unchanged base first): chrX-153865450-GAT-G. GRCh37 (hg19) VCF-style: chrX-153130905-GAT-G.
Other names: c.2596_2597del, p.Ile866fs (NM_000425.5, NM_024003.3); c.2581_2582del, p.Ile861fs (NM_001143963.2); c.2596_2597delAT (NM_001278116.1); short protein forms I861fs, I866fs.
Identifiers: ClinVar variation 1527928 (VCV001527928.3), dbSNP rs2148494128, ClinGen allele CA2580612516.
Genomic context (GRCh38, chrX:153,865,450, plus strand): 5'-CCGCAAGCCACTGAGGATGACACTGGTGGTGTTGGCGGGCACCACCACATGGTCTTTGTG[GAT>G]ATGTCTCTTGCTGTGCTTCCTCTGACTGCCCTCCCTCCAGTACGTCACCTGCACAAGCGA-3'